The following is an entry in ClinVar:

NM_016247.4(IMPG2):c.3023-6_3030dup

Gene: IMPG2 (interphotoreceptor matrix proteoglycan 2; minus strand). Cytogenetic location: 3q12.3.
Variant type: Duplication.
Coding change: c.3023-6_3030dup on transcript NM_016247.4 (MANE Select); 6 bases into the intron before coding-DNA position 3023 through coding-DNA position 3030, 14 bases duplicated (TTTTAGGTGATGAA).
Molecular consequence: splice acceptor variant.
Genome position (GRCh38, 1-based): chr3:101,232,984-101,232,997, TTCATCACCTAAAA duplicated on the plus strand (TTTTAGGTGATGAA on the coding strand, the reverse complement: IMPG2 is on the minus strand). VCF-style (leftmost placement, unchanged base first): chr3-101232983-C-CTTCATCACCTAAAA. GRCh37 (hg19) VCF-style: chr3-100951827-C-CTTCATCACCTAAAA.
Other names: c.3023-6_3030dupTTTTAGGTGATGAA (NM_016247.3).
Identifiers: ClinVar variation 437941 (VCV000437941.14), dbSNP rs754995805, ClinGen allele CA2518842.

ClinVar aggregate classification (germline): Pathogenic/Likely pathogenic. Review status: criteria provided, multiple submitters, no conflicts (2 of 4 stars). 4 submissions from 4 submitters: Pathogenic (2); Likely pathogenic (1). 1 of the submissions does not count toward it. Last evaluated 2025-06-12.

Conditions:
Retinitis pigmentosa (RP). Identifiers: Orphanet 791, MedGen C0035334, MeSH D012174, MONDO:0019200, OMIM 268000. Inheritance: Autosomal dominant, autosomal recessive and X linked inheritance.
IMPG2-related disorders.

Allele frequency attached by ClinVar (database versions not stated): ExAC 0.00002; gnomAD exomes 0.00002 and 0.00009; gnomAD 0.00004.

Submissions (4):

Labcorp Genetics (formerly Invitae), Labcorp
Classification: Pathogenic. Last evaluated: 2025-06-12. Review status: criteria provided, single submitter. Criteria: Invitae Variant Classification Sherloc (09022015). Collection method: clinical testing. Allele origin: germline.
Comment: This sequence change creates a premature translational stop signal (p.Ala1011Phefs*2) in the IMPG2 gene. It is expected to result in an absent or disrupted protein product. Loss-of-function variants in IMPG2 are known to be pathogenic (PMID: 20673862). This variant is present in population databases (rs754995805, gnomAD 0.004%). This premature translational stop signal has been observed in individuals with autosomal recessive retinitis pigmentosa (PMID: 26667666, 28041643; internal data). This variant is also known as c.3030_3031insTTTTAGGTGATGAA. ClinVar contains an entry for this variant (Variation ID: 437941). For these reasons, this variant has been classified as Pathogenic.

Blueprint Genetics
Classification: Pathogenic for IMPG2-related disorders. Last evaluated: 2023-12-27. Review status: criteria provided, single submitter. Criteria: ACMG Guidelines, 2015. Collection method: clinical testing. Allele origin: germline. Affected: yes. Observed: 5 variant alleles.

GeneDx
Classification: Likely pathogenic. Last evaluated: 2021-02-04. Review status: criteria provided, single submitter. Criteria: GeneDx Variant Classification Process June 2021. Collection method: clinical testing. Allele origin: germline. Affected: yes.
Comment: Frameshift variant predicted to result in protein truncation or nonsense mediated decay in a gene for which loss-of-function is a known mechanism of disease; This variant is associated with the following publications: (PMID: 32581362, 28041643, 26667666)

NIHR Bioresource Rare Diseases, University of Cambridge
Classification: Likely pathogenic for Retinitis pigmentosa. Last evaluated: 2015-01-01. Review status: no assertion criteria provided. Collection method: research. Allele origin: unknown. Affected: yes. Observed: 1 variant allele. Not counted in ClinVar's aggregate classification.

Literature cited by the submitters: PubMed 20673862 (cited by Labcorp Genetics (formerly Invitae), Labcorp); PubMed 26667666 (cited by Labcorp Genetics (formerly Invitae), Labcorp); PubMed 28041643 (cited by Labcorp Genetics (formerly Invitae), Labcorp and NIHR Bioresource Rare Diseases, University of Cambridge).